The following is an entry in ClinVar:

NM_002474.3(MYH11):c.5070G>A (p.Met1690Ile)

Genes: NDE1 (nudE neurodevelopment protein 1; plus strand), MYH11 (myosin heavy chain 11; minus strand). Cytogenetic location: 16p13.11.
Variant type: single nucleotide variant.
Coding change: c.5070G>A on transcript NM_002474.3 (MANE Select); coding-DNA position 5070, G replaced by A.
Protein change: p.Met1690Ile; replaces methionine 1690 with isoleucine.
Molecular consequence: missense variant. On other transcripts: intron variant (2).
Genome position (GRCh38, 1-based): chr16:15,719,597, C>T on the plus strand (G>A on the coding strand, the complement: MYH11 is on the minus strand). VCF-style: chr16-15719597-C-T. GRCh37 (hg19) VCF-style: chr16-15813454-C-T.
Other names: c.5091G>A, p.Met1697Ile (NM_001040113.2, NM_001040114.2); c.5070G>A, p.Met1690Ile (NM_022844.3); c.948-4594C>T (NM_001143979.2, NM_017668.3); short protein forms M1690I, M1697I.
Identifiers: ClinVar variation 3070976 (VCV003070976.1), dbSNP rs2040357859, ClinGen allele CA394851281.
Genomic context (GRCh38, chr16:15,719,597, plus strand): 5'-TACCGTGACACCCGCATCTGAGGCTCTCCTAGCAAGGCGAGGCTTTACCTCTTGTAGCTG[C>T]ATGAGGTCTGCTTCCAAGCTCTTGGCTTTCTTCTCATTCTCTTTGGCTGTGGCAAAGATC-3'
Protein context (NP_002465.1, residues 1680-1700): KKAKSLEADL[Met1690Ile]QLQEDLAAAE

ClinVar aggregate classification (germline): Uncertain significance (1 of 4 stars; one submission).

Conditions:
Familial thoracic aortic aneurysm and aortic dissection (TAAD). Also called: Thoracic aortic aneurysms and dissections. Identifiers: Orphanet 91387, MedGen C4707243, MONDO:0019625.

Allele frequency attached by ClinVar (database versions not stated): gnomAD exomes below 0.00001.
gnomAD v4.1: 1 of 1,614,188 alleles (0.000062%); highest among the groups gnomAD compares: Non-Finnish European, 0.000085%; no homozygotes.

Submission:

All of Us Research Program, National Institutes of Health
Classification: Uncertain significance for Familial thoracic aortic aneurysm and aortic dissection. Last evaluated: 2023-05-16. Review status: criteria provided, single submitter. Criteria: ACMG Guidelines, 2015. Collection method: clinical testing. Allele origin: germline. Inheritance: Autosomal dominant inheritance. Observed: 1 variant allele, 1 heterozygote.
Comment: This missense variant replaces methionine with isoleucine at codon 1697 of the MYH11 protein. Computational prediction suggests that this variant may not impact protein structure and function (internally defined REVEL score threshold <= 0.5, PMID: 27666373). To our knowledge, functional studies have not been reported for this variant. This variant has not been reported in individuals affected with MYH11-related disorders in the literature. This variant has not been identified in the general population by the Genome Aggregation Database (gnomAD). The available evidence is insufficient to determine the role of this variant in disease conclusively. Therefore, this variant is classified as a Variant of Uncertain Significance.

This study involves interpretation of variants in research participants for the purpose of population health screening. Participant phenotype was not available at the time of variant classification. Additional details can be found in publication PMID: 35346344, PMCID: PMC8962531